The following is an entry in ClinVar:

ClinVar aggregate classification (germline): Pathogenic. Review status: criteria provided, multiple submitters, no conflicts (2 of 4 stars). 2 submissions from 2 submitters: Pathogenic (2). Last evaluated 2025-04-24.

Conditions:
Neurofibromatosis, type 1 (NF1). Also called: Neurofibromatosis, type I; VON RECKLINGHAUSEN DISEASE; NEUROFIBROMATOSIS, TYPE I, SOMATIC; Peripheral type neurofibromatosis. Identifiers: Orphanet 636, MedGen C0027831, MONDO:0018975, OMIM 162200. Disease mechanism: loss of function.

Submissions (2):

Women's Health and Genetics/Laboratory Corporation of America, LabCorp
Classification: Pathogenic for Neurofibromatosis, type 1. Last evaluated: 2025-04-24. Review status: criteria provided, single submitter. Criteria: LabCorp Variant Classification Summary - May 2015. Collection method: clinical testing. Allele origin: germline.
Comment: Variant summary: NF1 c.72_73dupAA (p.Thr25LysfsX20) results in a premature termination codon, predicted to cause a truncation of the encoded protein or absence of the protein due to nonsense mediated decay, which are commonly known mechanisms for disease. The variant was absent in 250190 control chromosomes. To our knowledge, no occurrence of c.72_73dupAA in individuals affected with Neurofibromatosis Type 1 and no experimental evidence demonstrating its impact on protein function have been reported. ClinVar contains an entry for this variant (Variation ID: 1454554). Based on the evidence outlined above, the variant was classified as pathogenic.

Labcorp Genetics (formerly Invitae), Labcorp
Classification: Pathogenic for Neurofibromatosis, type 1. Last evaluated: 2021-10-09. Review status: criteria provided, single submitter. Criteria: Invitae Variant Classification Sherloc (09022015). Collection method: clinical testing. Allele origin: germline.
Comment: This variant is not present in population databases (ExAC no frequency). This sequence change creates a premature translational stop signal (p.Thr25Lysfs*20) in the NF1 gene. It is expected to result in an absent or disrupted protein product. Loss-of-function variants in NF1 are known to be pathogenic (PMID: 10712197, 23913538). This variant has not been reported in the literature in individuals affected with NF1-related conditions. For these reasons, this variant has been classified as Pathogenic.

Literature cited by the submitters: PubMed 10712197 (cited by Labcorp Genetics (formerly Invitae), Labcorp); PubMed 23913538 (cited by Labcorp Genetics (formerly Invitae), Labcorp).

NM_001042492.3(NF1):c.72_73dup (p.Thr25fs)

Gene: NF1 (neurofibromin 1; plus strand). Cytogenetic location: 17q11.2.
Variant type: Duplication.
Coding change: c.72_73dup on transcript NM_001042492.3 (MANE Select); coding-DNA positions 72 to 73, 2 bases duplicated (AA; older notation c.72_73dupAA).
Protein change: p.Thr25fs; shifts the reading frame from threonine 25.
Molecular consequence: frameshift variant.
Genome position (GRCh38, 1-based): chr17:31,155,994-31,155,995, AA duplicated; duplicating any 2 consecutive bases within chr17:31,155,991-31,155,995 gives the same sequence; the c. name uses the placement nearest the transcript's 3' end. VCF-style (leftmost placement, unchanged base first): chr17-31155990-T-TAA. GRCh37 (hg19) VCF-style: chr17-29483008-T-TAA.
Other names: c.72_73dupAA (NM_000267.3); c.72_73dup, p.Thr25Lysfs (NM_000267.4); c.72_73dup, p.Thr25fs (NM_001128147.3); short protein forms T25fs.
Identifiers: ClinVar variation 1454554 (VCV001454554.8), dbSNP rs2143625237, ClinGen allele CA2573153517.